The following is an entry in ClinVar:

ClinVar aggregate classification (germline): Uncertain significance (1 of 4 stars; one submission).

Conditions:
Sialuria. Also called: SIALURIA, FRENCH TYPE; Sialic Acid Storage Disease. Identifiers: Orphanet 3166, MedGen C0342853, MONDO:0010028, OMIM 269921.
GNE myopathy (NM). Also called: MYOPATHY, DISTAL, WITH OR WITHOUT RIMMED VACUOLES; INCLUSION BODY MYOPATHY, HEREDITARY, AUTOSOMAL RECESSIVE; INCLUSION BODY MYOPATHY 2, AUTOSOMAL RECESSIVE; IBM 2; Inclusion body myopathy autosomal recessive; Inclusion body myopathy quadriceps sparing. Identifiers: Orphanet 602, MedGen C1853926, MONDO:0011603, OMIM 605820.

Allele frequency attached by ClinVar (database versions not stated): gnomAD 0.00001.
gnomAD v4.1: 1 of 1,613,464 alleles (0.000062%); highest among the groups gnomAD compares: Non-Finnish European, 0.000085%; no homozygotes.

Submission:

Labcorp Genetics (formerly Invitae), Labcorp
Classification: Uncertain significance for Sialuria; GNE myopathy. Last evaluated: 2022-03-18. Review status: criteria provided, single submitter. Criteria: Invitae Variant Classification Sherloc (09022015). Collection method: clinical testing. Allele origin: germline.
Comment: This variant has not been reported in the literature in individuals affected with GNE-related conditions. This variant is not present in population databases (gnomAD no frequency). This sequence change replaces methionine, which is neutral and non-polar, with threonine, which is neutral and polar, at codon 234 of the GNE protein (p.Met234Thr). Advanced modeling of protein sequence and biophysical properties (such as structural, functional, and spatial information, amino acid conservation, physicochemical variation, residue mobility, and thermodynamic stability) performed at Invitae indicates that this missense variant is not expected to disrupt GNE protein function. In summary, the available evidence is currently insufficient to determine the role of this variant in disease. Therefore, it has been classified as a Variant of Uncertain Significance.

NM_005476.7(GNE):c.608T>C (p.Met203Thr)

Gene: GNE (glucosamine (UDP-N-acetyl)-2-epimerase/N-acetylmannosamine kinase; minus strand). Cytogenetic location: 9p13.3.
Variant type: single nucleotide variant.
Coding change: c.608T>C on transcript NM_005476.7 (MANE Select); coding-DNA position 608, T replaced by C.
Protein change: p.Met203Thr; replaces methionine 203 with threonine.
Molecular consequence: missense variant.
Genome position (GRCh38, 1-based): chr9:36,246,039, A>G on the plus strand (T>C on the coding strand, the complement: GNE is on the minus strand). VCF-style: chr9-36246039-A-G. GRCh37 (hg19) VCF-style: chr9-36246036-A-G.
Other names: c.701T>C, p.Met234Thr (NM_001128227.3); c.608T>C, p.Met203Thr (NM_001190383.3, NM_001374797.1); c.431T>C, p.Met144Thr (NM_001190384.3, NM_001190388.2, NM_001374798.1); short protein forms M234T, M203T, M144T.
Identifiers: ClinVar variation 1362699 (VCV001362699.6), dbSNP rs767519361, ClinGen allele CA373417976.